The following is an entry in ClinVar:

ClinVar aggregate classification (germline): Uncertain significance (1 of 4 stars; one submission).

Submission:

GeneDx
Classification: Uncertain significance. Last evaluated: 2023-03-11. Review status: criteria provided, single submitter. Criteria: GeneDx Variant Classification Process June 2021. Collection method: clinical testing. Allele origin: germline. Affected: yes.
Comment: Not observed at significant frequency in large population cohorts (gnomAD); In silico analysis supports that this variant does not alter splicing; Has not been previously published as pathogenic or benign to our knowledge

NM_000257.4(MYH7):c.5283+4A>C

Genes: MYH7 (myosin heavy chain 7; minus strand), LOC126861897 (BRD4-independent group 4 enhancer GRCh37_chr14:23884455-23885654; plus strand). Cytogenetic location: 14q11.2.
Variant type: single nucleotide variant.
Coding change: c.5283+4A>C on transcript NM_000257.4 (MANE Select); 4 bases into the intron after coding-DNA position 5283, A replaced by C.
Molecular consequence: intron variant.
Genome position (GRCh38, 1-based): chr14:23,415,377, T>G on the plus strand (A>C on the coding strand, the complement: MYH7 is on the minus strand). VCF-style: chr14-23415377-T-G. GRCh37 (hg19) VCF-style: chr14-23884586-T-G.
Other names: c.5283+4A>C (NM_001407004.1).
Identifiers: ClinVar variation 2579439 (VCV002579439.1), dbSNP rs1892148705, ClinGen allele CA485766136.